The following is an entry in ClinVar:

NM_005559.4(LAMA1):c.1658G>C (p.Ser553Thr)

Gene: LAMA1 (laminin subunit alpha 1; minus strand). Cytogenetic location: 18p11.31.
Variant type: single nucleotide variant.
Coding change: c.1658G>C on transcript NM_005559.4 (MANE Select); coding-DNA position 1658, G replaced by C.
Protein change: p.Ser553Thr; replaces serine 553 with threonine.
Molecular consequence: missense variant.
Genome position (GRCh38, 1-based): chr18:7,037,657, C>G on the plus strand (G>C on the coding strand, the complement: LAMA1 is on the minus strand). VCF-style: chr18-7037657-C-G. GRCh37 (hg19) VCF-style: chr18-7037656-C-G.
Other names: short protein forms S553T.
Identifiers: ClinVar variation 1913070 (VCV001913070.5), dbSNP rs943916194, ClinGen allele CA295756832.

ClinVar aggregate classification (germline): Uncertain significance (1 of 4 stars; one submission).

Allele frequency attached by ClinVar (database versions not stated): TOPMed below 0.00001; gnomAD 0.00001.
gnomAD v4.1: 14 of 1,614,094 alleles (0.00087%); highest among the groups gnomAD compares: Admixed American, 0.0017%; no homozygotes.

Submission:

Labcorp Genetics (formerly Invitae), Labcorp
Classification: Uncertain significance. Last evaluated: 2022-03-12. Review status: criteria provided, single submitter. Criteria: Invitae Variant Classification Sherloc (09022015). Collection method: clinical testing. Allele origin: germline.
Comment: In summary, the available evidence is currently insufficient to determine the role of this variant in disease. Therefore, it has been classified as a Variant of Uncertain Significance. Algorithms developed to predict the effect of missense changes on protein structure and function output the following: SIFT: "Tolerated"; PolyPhen-2: "Benign"; Align-GVGD: "Class C0". The threonine amino acid residue is found in multiple mammalian species, which suggests that this missense change does not adversely affect protein function. This variant has not been reported in the literature in individuals affected with LAMA1-related conditions. This variant is present in population databases (no rsID available, gnomAD 0.0008%). This sequence change replaces serine, which is neutral and polar, with threonine, which is neutral and polar, at codon 553 of the LAMA1 protein (p.Ser553Thr).